The following is an entry in ClinVar:

ClinVar aggregate classification (germline): Uncertain significance. Review status: criteria provided, multiple submitters, no conflicts (2 of 4 stars). 3 submissions from 3 submitters: Uncertain significance (2). 1 of the submissions does not count toward it. Last evaluated 2026-08-06.

Conditions:
Microcephalic osteodysplastic dysplasia, Saul-Wilson type. Also called: Saul-Wilson Syndrome; MICROCEPHALIC OSTEODYSPLASTIC DYSPLASIA. Identifiers: Orphanet 85172, MedGen C4509877, MONDO:0019407, OMIM 618150.
Inborn genetic diseases. Identifiers: MedGen C0950123, MeSH D030342.

Allele frequency attached by ClinVar (database versions not stated): gnomAD 0.00013 and 0.00014; TOPMed 0.00013; 1000 Genomes Project 30x 0.00016.
gnomAD v4.1: 53 of 1,613,738 alleles (0.0033%); highest among the groups gnomAD compares: African/African-American, 0.029%; no homozygotes.

Submissions (3):

OLLIN Analises Genomicas, OLLIN
Classification: Uncertain significance. Last evaluated: 2026-08-06. Review status: criteria provided, single submitter. Criteria: ACMG Guidelines 2015 PMID 25741868. Collection method: clinical testing. Allele origin: germline.
Comment: This missense variant, located in exon 4 (of 19), has been reported in ClinVar (accession VCV001077174.5) and in gnomAD with an allele frequency of 0.0033%. However, to our knowledge, it has not been reported in the scientific literature. In silico analysis is inconclusive regarding the impact of this variant. According to the currently available evidence, this variant has been classified as uncertain significance (PM2_P).

Ambry Genetics
Classification: Uncertain significance for Inborn genetic diseases. Last evaluated: 2020-12-28. Review status: criteria provided, single submitter. Criteria: Ambry Variant Classification Scheme 2023. Collection method: clinical testing. Allele origin: germline.
Comment: The c.373C>T (p.R125C) alteration is located in exon 4 (coding exon 4) of the COG4 gene. This alteration results from a C to T substitution at nucleotide position 373, causing the arginine (R) at amino acid position 125 to be replaced by a cysteine (C). The in silico prediction for the p.R125C alteration is inconclusive. Based on insufficient or conflicting evidence, the clinical significance of this alteration remains unclear.

Institute of Human Genetics, University of Goettingen
Classification: Uncertain significance for Microcephalic osteodysplastic dysplasia, Saul-Wilson type. Last evaluated: 2021-05-14. Review status: no assertion criteria provided. Collection method: clinical testing. Allele origin: unknown. Inheritance: Sporadic. Affected: yes. Not counted in ClinVar's aggregate classification.

NM_015386.3(COG4):c.373C>T (p.Arg125Cys)

Gene: COG4 (component of oligomeric golgi complex 4; minus strand). Cytogenetic location: 16q22.1.
Variant type: single nucleotide variant.
Coding change: c.373C>T on transcript NM_015386.3 (MANE Select); coding-DNA position 373, C replaced by T.
Protein change: p.Arg125Cys; replaces arginine 125 with cysteine.
Molecular consequence: missense variant. On other transcripts: 5 prime UTR variant (1), non-coding transcript variant (1).
Genome position (GRCh38, 1-based): chr16:70,514,506, G>A on the plus strand (C>T on the coding strand, the complement: COG4 is on the minus strand). VCF-style: chr16-70514506-G-A. GRCh37 (hg19) VCF-style: chr16-70548409-G-A.
Other names: c.361C>T, p.Arg121Cys (NM_001195139.2); c.-54C>T (NM_001365426.1); c.373C>T (NM_015386.2); short protein forms R121C, R125C.
Identifiers: ClinVar variation 1077174 (VCV001077174.6), dbSNP rs757774654, ClinGen allele CA8144685.